The following is an entry in ClinVar:

NM_001190738.2(NFIB):c.-2G>C

Gene: NFIB (nuclear factor I B; minus strand). Cytogenetic location: 9p22.3.
Variant type: single nucleotide variant.
Coding change: c.-2G>C on transcript NM_001190738.2; 2 bases upstream of the start codon, G replaced by C.
Molecular consequence: 5 prime UTR variant. On other transcripts: intron variant (4).
Genome position (GRCh38, 1-based): chr9:14,398,633, C>G on the plus strand (G>C on the coding strand, the complement: NFIB is on the minus strand). VCF-style: chr9-14398633-C-G. GRCh37 (hg19) VCF-style: chr9-14398632-C-G.
Other names: c.97-91113G>C (NM_001369468.1, NM_001369462.1, NM_001369459.1 and 1 more transcripts).
Identifiers: ClinVar variation 5008912 (VCV005008912.1).

ClinVar aggregate classification (germline): Uncertain significance (1 of 4 stars; one submission).

Submission:

GeneDx
Classification: Uncertain significance. Last evaluated: 2026-03-10. Review status: criteria provided, single submitter. Criteria: GeneDx Variant Classification Process June 2021. Collection method: clinical testing. Allele origin: germline.
Comment: Not observed at significant frequency in large population cohorts (gnomAD); Nucleotide is not conserved across species and the substitution has no predicted effect on splicing; Has not been previously published as pathogenic or benign to our knowledge; Reported using an alternate transcript of the gene; Located in a regulatory region; in the absence of functional studies, the actual effect of this sequence change is unknown